The following is an entry in ClinVar:

ClinVar aggregate classification (germline): Uncertain significance. Review status: criteria provided, multiple submitters, no conflicts (2 of 4 stars). 2 submissions from 2 submitters: Uncertain significance (2). Last evaluated 2025-06-20.

Conditions:
Hereditary cancer-predisposing syndrome. Also called: Hereditary Cancer Syndrome; Hereditary neoplastic syndrome; Neoplastic Syndromes, Hereditary; Tumor predisposition. Identifiers: Orphanet 140162, MedGen C0027672, MeSH D009386, MONDO:0015356.
Retinoblastoma (RB1). Also called: RETINOBLASTOMA, SOMATIC. Identifiers: Orphanet 790, MedGen C0035335, MeSH D012175, MONDO:0008380, OMIM 180200, HP:0009919. Disease mechanism: loss of function. Inheritance: Both sporadic and heritable forms are tested..

Allele frequency attached by ClinVar (database versions not stated): gnomAD exomes below 0.00001; ExAC 0.00001; gnomAD 0.00001.
gnomAD v4.1: 3 of 1,612,758 alleles (0.00019%); highest among the groups gnomAD compares: Non-Finnish European, 0.00017%; no homozygotes.

Submissions (2):

Ambry Genetics
Classification: Uncertain significance for Hereditary cancer-predisposing syndrome. Last evaluated: 2025-06-20. Review status: criteria provided, single submitter. Criteria: Ambry Variant Classification Scheme 2023. Collection method: clinical testing. Allele origin: germline.
Comment: The p.Y155C variant (also known as c.464A>G), located in coding exon 4 of the RB1 gene, results from an A to G substitution at nucleotide position 464. The tyrosine at codon 155 is replaced by cysteine, an amino acid with highly dissimilar properties. This amino acid position is highly conserved in available vertebrate species. In addition, this alteration is predicted to be deleterious by in silico analysis. Based on the available evidence, the clinical significance of this variant remains unclear.

Labcorp Genetics (formerly Invitae), Labcorp
Classification: Uncertain significance for Retinoblastoma. Last evaluated: 2025-04-25. Review status: criteria provided, single submitter. Criteria: Invitae Variant Classification Sherloc (09022015). Collection method: clinical testing. Allele origin: germline.
Comment: This sequence change replaces tyrosine, which is neutral and polar, with cysteine, which is neutral and slightly polar, at codon 155 of the RB1 protein (p.Tyr155Cys). This variant is present in population databases (rs766849295, gnomAD 0.0009%). This variant has not been reported in the literature in individuals affected with RB1-related conditions. ClinVar contains an entry for this variant (Variation ID: 1742166). Invitae Evidence Modeling of protein sequence and biophysical properties (such as structural, functional, and spatial information, amino acid conservation, physicochemical variation, residue mobility, and thermodynamic stability) has been performed for this missense variant. However, the output from this modeling did not meet the statistical confidence thresholds required to predict the impact of this variant on RB1 protein function. In summary, the available evidence is currently insufficient to determine the role of this variant in disease. Therefore, it has been classified as a Variant of Uncertain Significance.

NM_000321.3(RB1):c.464A>G (p.Tyr155Cys)

Gene: RB1 (RB transcriptional corepressor 1; plus strand). Cytogenetic location: 13q14.2.
Variant type: single nucleotide variant.
Coding change: c.464A>G on transcript NM_000321.3 (MANE Select); coding-DNA position 464, A replaced by G.
Protein change: p.Tyr155Cys; replaces tyrosine 155 with cysteine.
Molecular consequence: missense variant.
Genome position (GRCh38, 1-based): chr13:48,345,163, A>G. VCF-style: chr13-48345163-A-G. GRCh37 (hg19) VCF-style: chr13-48919299-A-G.
Other names: c.464A>G, p.Tyr155Cys (NM_001407165.1, NM_001407166.1); short protein forms Y155C.
Identifiers: ClinVar variation 1742166 (VCV001742166.4), dbSNP rs766849295, ClinGen allele CA038243.
Genomic context (GRCh38, chr13:48,345,163, plus strand): 5'-TAAAAGAAATTGATACCAGTACCAAAGTTGATAATGCTATGTCAAGACTGTTGAAGAAGT[A>G]TGATGTATTGTTTGCACTCTTCAGCAAATTGGAAAGGTAAAGTAAACATTTTATTAGGTT-3'
Protein context (NP_000312.2, residues 145-165): DNAMSRLLKK[Tyr155Cys]DVLFALFSKL